The following is an entry in ClinVar:

ClinVar aggregate classification (germline): Uncertain significance. Review status: criteria provided, multiple submitters, no conflicts (2 of 4 stars). 2 submissions from 2 submitters: Uncertain significance (2). Last evaluated 2025-10-03.

Conditions:
Immunodeficiency, common variable, 7. Identifiers: Orphanet 1572, Orphanet 696894, MedGen C3542922, MONDO:0013862, OMIM 614699.

Allele frequency attached by ClinVar (database versions not stated): gnomAD 0.00001 and 0.00003; TOPMed 0.00002; ExAC 0.00004; gnomAD exomes 0.00008.
gnomAD v4.1: 88 of 1,613,822 alleles (0.0055%); highest among the groups gnomAD compares: South Asian, 0.063%; 1 homozygote.

Submissions (2):

Labcorp Genetics (formerly Invitae), Labcorp
Classification: Uncertain significance for Immunodeficiency, common variable, 7. Last evaluated: 2025-10-03. Review status: criteria provided, single submitter. Criteria: Invitae Variant Classification Sherloc (09022015). Collection method: clinical testing. Allele origin: germline.
Comment: This sequence change replaces arginine, which is basic and polar, with glutamine, which is neutral and polar, at codon 928 of the CR2 protein (p.Arg928Gln). This variant is present in population databases (rs756989345, gnomAD 0.06%). This variant has not been reported in the literature in individuals affected with CR2-related conditions. ClinVar contains an entry for this variant (Variation ID: 570519). An algorithm developed to predict the effect of missense changes on protein structure and function outputs the following: PolyPhen-2: "Benign". The glutamine amino acid residue is found in multiple mammalian species, which suggests that this missense change does not adversely affect protein function. In summary, the available evidence is currently insufficient to determine the role of this variant in disease. Therefore, it has been classified as a Variant of Uncertain Significance.

Blueprint Genetics
Classification: Uncertain significance. Last evaluated: 2024-03-29. Review status: criteria provided, single submitter. Criteria: ACMG Guidelines, 2015. Collection method: clinical testing. Allele origin: germline.

NM_001006658.3(CR2):c.2783G>A (p.Arg928Gln)

Gene: CR2 (complement C3d receptor 2; plus strand). Cytogenetic location: 1q32.2.
Variant type: single nucleotide variant.
Coding change: c.2783G>A on transcript NM_001006658.3 (MANE Select); coding-DNA position 2783, G replaced by A.
Protein change: p.Arg928Gln; replaces arginine 928 with glutamine.
Molecular consequence: missense variant.
Genome position (GRCh38, 1-based): chr1:207,476,300, G>A. VCF-style: chr1-207476300-G-A. GRCh37 (hg19) VCF-style: chr1-207649645-G-A.
Other names: c.2606G>A, p.Arg869Gln (NM_001877.5); short protein forms R928Q, R869Q.
Identifiers: ClinVar variation 570519 (VCV000570519.10), dbSNP rs756989345, ClinGen allele CA1369065.